The following is an entry in ClinVar:

NM_000414.4(HSD17B4):c.1361T>A (p.Ile454Lys)

Gene: HSD17B4 (hydroxysteroid 17-beta dehydrogenase 4; plus strand). Cytogenetic location: 5q23.1.
Variant type: single nucleotide variant.
Coding change: c.1361T>A on transcript NM_000414.4 (MANE Select); coding-DNA position 1361, T replaced by A.
Protein change: p.Ile454Lys; replaces isoleucine 454 with lysine.
Molecular consequence: missense variant. On other transcripts: non-coding transcript variant (2).
Genome position (GRCh38, 1-based): chr5:119,509,168, T>A. VCF-style: chr5-119509168-T-A. GRCh37 (hg19) VCF-style: chr5-118844863-T-A.
Other names: c.1436T>A, p.Ile479Lys (NM_001199291.3); c.1307T>A, p.Ile436Lys (NM_001199292.2); c.1289T>A, p.Ile430Lys (NM_001292027.2, NM_001374498.1); c.941T>A, p.Ile314Lys (NM_001292028.2); c.1352T>A, p.Ile451Lys (NM_001374497.1); c.950T>A, p.Ile317Lys (NM_001374501.1, NM_001374502.1, NM_001374503.1); c.1034T>A, p.Ile345Lys (NM_001374499.1); c.920T>A, p.Ile307Lys (NM_001374500.1); short protein forms I307K, I430K, I314K, I454K, I479K, I317K, I436K, I345K.
Identifiers: ClinVar variation 2190001 (VCV002190001.1), dbSNP rs753362442, ClinGen allele CA3382213.

ClinVar aggregate classification (germline): Uncertain significance (1 of 4 stars; one submission).

Conditions:
Perrault syndrome. Also called: Gonadal dysgenesis with auditory dysfunction, autosomal recessive inheritance. Identifiers: Orphanet 2855, MedGen C0685838, MONDO:0017312.
Bifunctional peroxisomal enzyme deficiency (DBIF). Also called: D-bifunctional protein deficiency; PBFE DEFICIENCY; DBP DEFICIENCY. Identifiers: Orphanet 300, MedGen C0342870, MONDO:0009855, OMIM 261515. Disease mechanism: loss of function.

Allele frequency attached by ClinVar (database versions not stated): ExAC 0.00001.
gnomAD v4.1: 25 of 1,599,960 alleles (0.0016%); highest among the groups gnomAD compares: Middle Eastern, 0.017%; no homozygotes.

Submission:

Labcorp Genetics (formerly Invitae), Labcorp
Classification: Uncertain significance for Perrault syndrome; Bifunctional peroxisomal enzyme deficiency. Last evaluated: 2022-05-25. Review status: criteria provided, single submitter. Criteria: Invitae Variant Classification Sherloc (09022015). Collection method: clinical testing. Allele origin: germline.
Comment: This sequence change replaces isoleucine, which is neutral and non-polar, with lysine, which is basic and polar, at codon 454 of the HSD17B4 protein (p.Ile454Lys). This variant is present in population databases (rs753362442, gnomAD 0.004%). This variant has not been reported in the literature in individuals affected with HSD17B4-related conditions. Algorithms developed to predict the effect of missense changes on protein structure and function are either unavailable or do not agree on the potential impact of this missense change (SIFT: "Deleterious"; PolyPhen-2: "Probably Damaging"; Align-GVGD: "Class C0"). In summary, the available evidence is currently insufficient to determine the role of this variant in disease. Therefore, it has been classified as a Variant of Uncertain Significance.